The following is an entry in ClinVar:

ClinVar aggregate classification (germline): Uncertain significance (1 of 4 stars; one submission).

Conditions:
Emery-Dreifuss muscular dystrophy 4, autosomal dominant (EDMD4). Also called: EMERY-DREIFUSS MUSCULAR DYSTROPHY 4 WITH VARIABLE FEATURES. Identifiers: Orphanet 261, MedGen C2751807, MONDO:0013071, OMIM 612998.
Autosomal recessive ataxia, Beauce type. Also called: SYNE1 Deficiency; Spinocerebellar ataxia, autosomal recessive 8; ATAXIA, RECESSIVE, OF BEAUCE; SYNE1-Related Autosomal Recessive Cerebellar Ataxia. Identifiers: Orphanet 88644, MedGen C1853116, MONDO:0012549, OMIM 610743.

Allele frequency attached by ClinVar (database versions not stated): TOPMed below 0.00001.

Submission:

Labcorp Genetics (formerly Invitae), Labcorp
Classification: Uncertain significance for Emery-Dreifuss muscular dystrophy 4, autosomal dominant; Autosomal recessive ataxia, Beauce type. Last evaluated: 2023-12-18. Review status: criteria provided, single submitter. Criteria: Invitae Variant Classification Sherloc (09022015). Collection method: clinical testing. Allele origin: germline.
Comment: This sequence change falls in intron 77 of the SYNE1 gene. It does not directly change the encoded amino acid sequence of the SYNE1 protein. This variant is not present in population databases (gnomAD no frequency). This variant has not been reported in the literature in individuals affected with SYNE1-related conditions. ClinVar contains an entry for this variant (Variation ID: 1964877). Algorithms developed to predict the effect of sequence changes on RNA splicing suggest that this variant may disrupt the consensus splice site. In summary, the available evidence is currently insufficient to determine the role of this variant in disease. Therefore, it has been classified as a Variant of Uncertain Significance.

NM_182961.4(SYNE1):c.14956-19T>A

Gene: SYNE1 (spectrin repeat containing nuclear envelope protein 1; minus strand). Cytogenetic location: 6q25.2.
Variant type: single nucleotide variant.
Coding change: c.14956-19T>A on transcript NM_182961.4 (MANE Select); 19 bases into the intron before coding-DNA position 14956, T replaced by A.
Molecular consequence: intron variant.
Genome position (GRCh38, 1-based): chr6:152,326,652, A>T on the plus strand (T>A on the coding strand, the complement: SYNE1 is on the minus strand). VCF-style: chr6-152326652-A-T. GRCh37 (hg19) VCF-style: chr6-152647787-A-T.
Other names: c.14743-19T>A (NM_033071.5).
Identifiers: ClinVar variation 1964877 (VCV001964877.5), dbSNP rs2096073053, ClinGen allele CA1673285064.